The following is an entry in ClinVar:

NM_014208.3(DSPP):c.2615A>C (p.Asp872Ala)

Genes: DMP1-AS1 (DMP1 and DSPP antisense RNA 1; minus strand), DSPP (dentin sialophosphoprotein; plus strand). Cytogenetic location: 4q22.1.
Variant type: single nucleotide variant.
Coding change: c.2615A>C on transcript NM_014208.3 (MANE Select); coding-DNA position 2615, A replaced by C.
Protein change: p.Asp872Ala; replaces aspartic acid 872 with alanine.
Molecular consequence: missense variant.
Genome position (GRCh38, 1-based): chr4:87,615,277, A>C. VCF-style: chr4-87615277-A-C. GRCh37 (hg19) VCF-style: chr4-88536429-A-C.
Other names: short protein forms D872A.
Identifiers: ClinVar variation 1213515 (VCV001213515.3), dbSNP rs777900733, ClinGen allele CA3001282.

ClinVar aggregate classification (germline): Likely benign (1 of 4 stars; one submission).

Allele frequency attached by ClinVar (database versions not stated): ExAC 0.00005; TOPMed 0.00003; gnomAD 0.00004; gnomAD exomes 0.00005 and 0.00003.
gnomAD v4.1: 54 of 1,515,414 alleles (0.0036%); highest among the groups gnomAD compares: East Asian, 0.061%; no homozygotes.

Submission:

GeneDx
Classification: Likely benign. Last evaluated: 2015-03-03. Review status: criteria provided, single submitter. Criteria: GeneDx Variant Classification Process June 2021. Collection method: clinical testing. Allele origin: germline. Affected: yes.
Comment: This variant is associated with the following publications: (PMID: 28968992)